The following is an entry in ClinVar:

ClinVar aggregate classification (germline): Uncertain significance (1 of 4 stars; one submission).

Allele frequency attached by ClinVar (database versions not stated): gnomAD exomes below 0.00001.
gnomAD v4.1: 3 of 1,612,120 alleles (0.00019%); highest among the groups gnomAD compares: South Asian, 0.0033%; no homozygotes.

Submission:

Labcorp Genetics (formerly Invitae), Labcorp
Classification: Uncertain significance. Last evaluated: 2022-04-25. Review status: criteria provided, single submitter. Criteria: Invitae Variant Classification Sherloc (09022015). Collection method: clinical testing. Allele origin: germline.
Comment: This variant has not been reported in the literature in individuals affected with RORB-related conditions. This variant is not present in population databases (gnomAD no frequency). This sequence change replaces histidine, which is basic and polar, with tyrosine, which is neutral and polar, at codon 394 of the RORB protein (p.His394Tyr). Algorithms developed to predict the effect of missense changes on protein structure and function are either unavailable or do not agree on the potential impact of this missense change (SIFT: "Deleterious"; PolyPhen-2: "Benign"; Align-GVGD: "Class C15"). In summary, the available evidence is currently insufficient to determine the role of this variant in disease. Therefore, it has been classified as a Variant of Uncertain Significance.

NM_006914.4(RORB):c.1180C>T (p.His394Tyr)

Gene: RORB (RAR related orphan receptor B; plus strand). Cytogenetic location: 9q21.13.
Variant type: single nucleotide variant.
Coding change: c.1180C>T on transcript NM_006914.4 (MANE Select); coding-DNA position 1180, C replaced by T.
Protein change: p.His394Tyr; replaces histidine 394 with tyrosine.
Molecular consequence: missense variant.
Genome position (GRCh38, 1-based): chr9:74,671,857, C>T. VCF-style: chr9-74671857-C-T. GRCh37 (hg19) VCF-style: chr9-77286773-C-T.
Other names: c.1213C>T, p.His405Tyr (NM_001365023.1); short protein forms H394Y, H405Y.
Identifiers: ClinVar variation 2130762 (VCV002130762.4), dbSNP rs2489648709, ClinGen allele CA373771746.
Genomic context (GRCh38, chr9:74,671,857, plus strand): 5'-TGGCTTATAGAACCAAGGAAAGTCCAGAAGCTTCAGGAAAAAATTTATTTTGCACTTCAA[C>T]ATGTGATTCAGAAGAATCACCTGGATGATGAGACCTTGGCAAAGGTAGGTCCACAGATCA-3'
Protein context (NP_008845.2, residues 384-404): LQEKIYFALQ[His394Tyr]VIQKNHLDDE